The following is an entry in ClinVar:

ClinVar aggregate classification (germline): Uncertain significance (1 of 4 stars; one submission).

Allele frequency attached by ClinVar (database versions not stated): gnomAD 0.00001; TOPMed 0.00001.
gnomAD v4.1: 1 of 1,613,736 alleles (0.000062%); highest among the groups gnomAD compares: Admixed American, 0.0017%; no homozygotes.

Submission:

Labcorp Genetics (formerly Invitae), Labcorp
Classification: Uncertain significance. Last evaluated: 2022-04-26. Review status: criteria provided, single submitter. Criteria: Invitae Variant Classification Sherloc (09022015). Collection method: clinical testing. Allele origin: germline.
Comment: In summary, the available evidence is currently insufficient to determine the role of this variant in disease. Therefore, it has been classified as a Variant of Uncertain Significance. Advanced modeling of protein sequence and biophysical properties (such as structural, functional, and spatial information, amino acid conservation, physicochemical variation, residue mobility, and thermodynamic stability) performed at Invitae indicates that this missense variant is not expected to disrupt SERPINH1 protein function. This variant has not been reported in the literature in individuals affected with SERPINH1-related conditions. This variant is not present in population databases (gnomAD no frequency). This sequence change replaces threonine, which is neutral and polar, with isoleucine, which is neutral and non-polar, at codon 231 of the SERPINH1 protein (p.Thr231Ile).

NM_001235.5(SERPINH1):c.692C>T (p.Thr231Ile)

Gene: SERPINH1 (serpin family H member 1; plus strand). Cytogenetic location: 11q13.5.
Variant type: single nucleotide variant.
Coding change: c.692C>T on transcript NM_001235.5 (MANE Select); coding-DNA position 692, C replaced by T.
Protein change: p.Thr231Ile; replaces threonine 231 with isoleucine.
Molecular consequence: missense variant.
Genome position (GRCh38, 1-based): chr11:75,568,800, C>T. VCF-style: chr11-75568800-C-T. GRCh37 (hg19) VCF-style: chr11-75279845-C-T.
Other names: c.692C>T, p.Thr231Ile (NM_001207014.3); short protein forms T231I.
Identifiers: ClinVar variation 2126480 (VCV002126480.4), dbSNP rs1218823155, ClinGen allele CA381891289.
Genomic context (GRCh38, chr11:75,568,800, plus strand): 5'-ATGAGAAATTCCACCACAAGATGGTGGACAACCGTGGCTTCATGGTGACTCGGTCCTATA[C>T]CGTGGGTGTCATGATGATGCACCGGACAGGTAGGTGCTGTGAGGAGCAGGGTGTCAAGGT-3'
Protein context (NP_001226.2, residues 221-241): NRGFMVTRSY[Thr231Ile]VGVMMMHRTG